The following is an entry in ClinVar:

ClinVar aggregate classification (germline): Benign (1 of 4 stars; one submission).

Conditions:
Occult macular dystrophy (OCMD). Also called: OMD; OCCULT MACULAR DYSTROPHY, SUSCEPTIBILITY TO. Identifiers: Orphanet 247834, MedGen C3150833, MONDO:0013316, OMIM 613587, HP:0030636.

Allele frequency attached by ClinVar (database versions not stated): gnomAD exomes 0.00021; TOPMed 0.00186; 1000 Genomes Project 0.00240.
gnomAD v4.1: 351 of 521,512 alleles (0.067%); highest among the groups gnomAD compares: African/African-American, 0.61%; 2 homozygotes.

Submission:

Illumina Laboratory Services, Illumina
Classification: Benign for Occult macular dystrophy. Last evaluated: 2018-01-12. Review status: criteria provided, single submitter. Criteria: ICSL Variant Classification Criteria 13 December 2019. Collection method: clinical testing. Allele origin: germline.
Comment: This variant was observed in the ICSL laboratory as part of a predisposition screen in an ostensibly healthy population. It had not been previously curated by ICSL or reported in the Human Gene Mutation Database (HGMD: prior to June 1st, 2018), and was therefore a candidate for classification through an automated scoring system. Utilizing variant allele frequency, disease prevalence and penetrance estimates, and inheritance mode, an automated score was calculated to assess if this variant is too frequent to cause the disease. Based on the score and internal cut-off values, a variant classified as benign is not then subjected to further curation. The score for this variant resulted in a classification of benign for this disease.

NM_178857.6(RP1L1):c.*266C>T

Gene: RP1L1 (RP1 like 1). Cytogenetic location: 8p23.1.
Variant type: single nucleotide variant.
Coding change: c.*266C>T on transcript NM_178857.6 (MANE Select); 266 bases downstream of the stop codon, C replaced by T.
Molecular consequence: 3 prime UTR variant.
Genome position (GRCh38, 1-based): chr8:10,606,629, G>A on the plus strand (C>T on the coding strand, the complement: RP1L1 is on the minus strand). VCF-style: chr8-10606629-G-A. GRCh37 (hg19) VCF-style: chr8-10464139-G-A.
Identifiers: ClinVar variation 361193 (VCV000361193.5), dbSNP rs557198895, ClinGen allele CA10629784.